The following is an entry in ClinVar:

ClinVar aggregate classification (germline): Conflicting classifications of pathogenicity. Review status: criteria provided, conflicting classifications (1 of 4 stars). 7 submissions from 7 submitters: Uncertain significance (1); Benign (2); Likely benign (2). 2 of the submissions do not count toward it. Last evaluated 2026-01-09.

Conditions:
KMT2D-related disorder. Also called: KMT2D-Related Disorders.
Inborn genetic diseases. Identifiers: MedGen C0950123, MeSH D030342.
Kabuki syndrome. Also called: Kabuki make-up syndrome; NIIKAWA-KUROKI SYNDROME. Identifiers: Orphanet 2322, MedGen C0796004, MONDO:0016512.

Allele frequency attached by ClinVar (database versions not stated): gnomAD exomes 0.00005 and 0.00016; ExAC 0.00055; 1000 Genomes Project 0.00060; 1000 Genomes Project 30x 0.00062; TOPMed 0.00070; gnomAD 0.00071 and 0.00078; ESP Exome Variant Server 0.00088.
gnomAD v4.1: 188 of 1,586,374 alleles (0.012%); highest among the groups gnomAD compares: African/African-American, 0.24%; no homozygotes.

Submissions (7):

Labcorp Genetics (formerly Invitae), Labcorp
Classification: Benign for Kabuki syndrome. Last evaluated: 2026-01-09. Review status: criteria provided, single submitter. Criteria: Invitae Variant Classification Sherloc (09022015). Collection method: clinical testing. Allele origin: germline.

Blueprint Genetics
Classification: Likely benign. Last evaluated: 2024-09-11. Review status: criteria provided, single submitter. Criteria: ACMG Guidelines, 2015. Collection method: clinical testing. Allele origin: germline.

Ambry Genetics
Classification: Likely benign for Inborn genetic diseases. Last evaluated: 2021-09-24. Review status: criteria provided, single submitter. Criteria: Ambry Variant Classification Scheme 2023. Collection method: clinical testing. Allele origin: germline.

GeneDx
Classification: Benign. Last evaluated: 2020-01-20. Review status: criteria provided, single submitter. Criteria: GeneDx Variant Classification Process June 2021. Collection method: clinical testing. Allele origin: germline. Affected: yes.

Center for Pediatric Genomic Medicine, Children's Mercy Hospital and Clinics
Classification: Uncertain significance. Last evaluated: 2016-05-19. Review status: criteria provided, single submitter. Criteria: ACMG Guidelines, 2015. Collection method: clinical testing. Allele origin: germline.
ClinVar note: Converted during submission from Uncertain Significance to Uncertain significance.

PreventionGenetics, part of Exact Sciences
Classification: Likely benign for KMT2D-related condition. Last evaluated: 2019-05-20. Review status: no assertion criteria provided. Collection method: clinical testing. Allele origin: germline. Not counted in ClinVar's aggregate classification.
Comment: This variant is classified as likely benign based on ACMG/AMP sequence variant interpretation guidelines (Richards et al. 2015 PMID: 25741868, with internal and published modifications).

ITMI
No classification provided. Condition: AllHighlyPenetrant. Last evaluated: 2013-09-19. Review status: no classification provided. Collection method: reference population. Allele origin: germline. Not counted in ClinVar's aggregate classification.
Comment: Please see associated publication for description of ethnicities

Literature cited by the submitters: PubMed 24728327 (cited by ITMI).

NM_003482.4(KMT2D):c.9662C>A (p.Thr3221Asn)

Gene: KMT2D (lysine methyltransferase 2D; minus strand). Cytogenetic location: 12q13.12.
Variant type: single nucleotide variant.
Coding change: c.9662C>A on transcript NM_003482.4 (MANE Select); coding-DNA position 9662, C replaced by A.
Protein change: p.Thr3221Asn; replaces threonine 3221 with asparagine.
Molecular consequence: missense variant.
Genome position (GRCh38, 1-based): chr12:49,037,694, G>T on the plus strand (C>A on the coding strand, the complement: KMT2D is on the minus strand). VCF-style: chr12-49037694-G-T. GRCh37 (hg19) VCF-style: chr12-49431477-G-T.
Other names: short protein forms T3221N.
Identifiers: ClinVar variation 134707 (VCV000134707.21), dbSNP rs200601717, ClinGen allele CA160581.
Genomic context (GRCh38, chr12:49,037,694, plus strand): 5'-ACCAGTGAGCTCTCCATCTTGTCTAGCTCATCCCCAGATGCTGCAGGTCCACCAGGCAAG[G>T]TCAAAGCCCCACTCTCGAGCTCAAACTTTTCCAGCAGGGAGGATCCTCCTGGGCCACTCA-3'
Protein context (NP_003473.3, residues 3211-3231): EKFELESGAL[Thr3221Asn]LPGGPAASGD